The following is an entry in ClinVar:

NM_000238.4(KCNH2):c.1952T>A (p.Met651Lys)

Gene: KCNH2 (potassium voltage-gated channel subfamily H member 2; minus strand). Cytogenetic location: 7q36.1.
Variant type: single nucleotide variant.
Coding change: c.1952T>A on transcript NM_000238.4 (MANE Select); coding-DNA position 1952, T replaced by A.
Protein change: p.Met651Lys; replaces methionine 651 with lysine.
Molecular consequence: missense variant. On other transcripts: non-coding transcript variant (2).
Genome position (GRCh38, 1-based): chr7:150,951,114, A>T on the plus strand (T>A on the coding strand, the complement: KCNH2 is on the minus strand). VCF-style: chr7-150951114-A-T. GRCh37 (hg19) VCF-style: chr7-150648202-A-T.
Other names: c.932T>A, p.Met311Lys (NM_001204798.2, NM_172057.3); c.1664T>A, p.Met555Lys (NM_001406753.1, NM_001406756.1); c.1775T>A, p.Met592Lys (NM_001406755.1); c.1652T>A, p.Met551Lys (NM_001406757.1); c.1952T>A, p.Met651Lys (NM_172056.3); short protein forms M311K, M551K, M555K, M592K, M651K.
Identifiers: ClinVar variation 3655700 (VCV003655700.2).

ClinVar aggregate classification (germline): Uncertain significance (1 of 4 stars; one submission).

Conditions:
Long QT syndrome (LQTS). Identifiers: MedGen C0023976, MeSH D008133, MONDO:0002442. Disease mechanism: loss of function. Inheritance: Various modes of inheritance.

Submission:

Labcorp Genetics (formerly Invitae), Labcorp
Classification: Uncertain significance for Long QT syndrome. Last evaluated: 2024-06-07. Review status: criteria provided, single submitter. Criteria: Invitae Variant Classification Sherloc (09022015). Collection method: clinical testing. Allele origin: germline.
Comment: This sequence change replaces methionine, which is neutral and non-polar, with lysine, which is basic and polar, at codon 651 of the KCNH2 protein (p.Met651Lys). This variant is not present in population databases (gnomAD no frequency). This variant has not been reported in the literature in individuals affected with KCNH2-related conditions. An algorithm developed to predict the effect of missense changes on protein structure and function (PolyPhen-2) suggests that this variant is likely to be disruptive. In summary, the available evidence is currently insufficient to determine the role of this variant in disease. Therefore, it has been classified as a Variant of Uncertain Significance.